The following is an entry in ClinVar:

ClinVar aggregate classification (germline): Uncertain significance (1 of 4 stars; one submission).

Conditions:
Capillary malformation-arteriovenous malformation syndrome. Also called: Capillary malformation-arteriovenous malformation. Identifiers: Orphanet 137667, MedGen C1842180, MONDO:0012016.

Submission:

Labcorp Genetics (formerly Invitae), Labcorp
Classification: Uncertain significance for Capillary malformation-arteriovenous malformation syndrome. Last evaluated: 2022-08-13. Review status: criteria provided, single submitter. Criteria: Invitae Variant Classification Sherloc (09022015). Collection method: clinical testing. Allele origin: germline.
Comment: This variant, c.1130_1144dup, results in the insertion of 5 amino acid(s) of the RASA1 protein (p.Arg377_Asn381dup), but otherwise preserves the integrity of the reading frame. In summary, the available evidence is currently insufficient to determine the role of this variant in disease. Therefore, it has been classified as a Variant of Uncertain Significance. This variant has not been reported in the literature in individuals affected with RASA1-related conditions. This variant is not present in population databases (gnomAD no frequency).

NM_002890.3(RASA1):c.1130_1144dup (p.Asn381_Thr382insArgProSerAspAsn)

Genes: CCNH (cyclin H; minus strand), RASA1 (RAS p21 protein activator 1; plus strand). Cytogenetic location: 5q14.3.
Variant type: Duplication.
Coding change: c.1130_1144dup on transcript NM_002890.3 (MANE Select); coding-DNA positions 1130 to 1144, 15 bases duplicated (GGCCCTCAGATAATA).
Protein change: p.Asn381_Thr382insArgProSerAspAsn.
Molecular consequence: inframe insertion. On other transcripts: intron variant (1).
Genome position (GRCh38, 1-based): chr5:87,349,241-87,349,255, GGCCCTCAGATAATA duplicated; duplicating any 15 consecutive bases within chr5:87,349,240-87,349,255 gives the same sequence; the c. name uses the placement nearest the transcript's 3' end. VCF-style (leftmost placement, unchanged base first): chr5-87349239-G-GAGGCCCTCAGATAAT. GRCh37 (hg19) VCF-style: chr5-86645056-G-GAGGCCCTCAGATAAT.
Other names: c.599_613dup, p.Asn204_Thr205insArgProSerAspAsn (NM_022650.3); c.934-36459_934-36445dup (NM_001364075.2).
Identifiers: ClinVar variation 2023968 (VCV002023968.4), dbSNP rs2531255934, ClinGen allele CA2580073673.